The following is an entry in ClinVar:

ClinVar aggregate classification (germline): Uncertain significance. Review status: criteria provided, multiple submitters, no conflicts (2 of 4 stars). 2 submissions from 2 submitters: Uncertain significance (2). Last evaluated 2024-10-08.

Conditions:
Inborn genetic diseases. Identifiers: MedGen C0950123, MeSH D030342.
Growth hormone insensitivity with immune dysregulation 1, autosomal recessive. Also called: Laron syndrome with immunodeficiency; GROWTH HORMONE INSENSITIVITY SYNDROME WITH IMMUNE DYSREGULATION 1, AUTOSOMAL RECESSIVE; GROWTH HORMONE INSENSITIVITY DUE TO POSTRECEPTOR DEFECT; LARON SYNDROME DUE TO POSTRECEPTOR DEFECT. Identifiers: Orphanet 220465, MedGen C5435698, MONDO:0100211, OMIM 245590.

Allele frequency attached by ClinVar (database versions not stated): gnomAD exomes 0.00001; ExAC 0.00003; TOPMed 0.00005; gnomAD 0.00007; 1000 Genomes Project 0.00020; 1000 Genomes Project 30x 0.00031.

Submissions (2):

Ambry Genetics
Classification: Uncertain significance for Inborn genetic diseases. Last evaluated: 2024-10-08. Review status: criteria provided, single submitter. Criteria: Ambry Variant Classification Scheme 2023. Collection method: clinical testing. Allele origin: germline.

Labcorp Genetics (formerly Invitae), Labcorp
Classification: Uncertain significance for Growth hormone insensitivity with immune dysregulation 1, autosomal recessive. Last evaluated: 2023-04-27. Review status: criteria provided, single submitter. Criteria: Invitae Variant Classification Sherloc (09022015). Collection method: clinical testing. Allele origin: germline.
Comment: In summary, the available evidence is currently insufficient to determine the role of this variant in disease. Therefore, it has been classified as a Variant of Uncertain Significance. Advanced modeling of protein sequence and biophysical properties (such as structural, functional, and spatial information, amino acid conservation, physicochemical variation, residue mobility, and thermodynamic stability) performed at Invitae indicates that this missense variant is not expected to disrupt STAT5B protein function. This variant has not been reported in the literature in individuals affected with STAT5B-related conditions. This variant is present in population databases (rs561888537, gnomAD 0.04%). This sequence change replaces proline, which is neutral and non-polar, with serine, which is neutral and polar, at codon 564 of the STAT5B protein (p.Pro564Ser).

NM_012448.4(STAT5B):c.1690C>T (p.Pro564Ser)

Gene: STAT5B (signal transducer and activator of transcription 5B; minus strand). Cytogenetic location: 17q21.2.
Variant type: single nucleotide variant.
Coding change: c.1690C>T on transcript NM_012448.4 (MANE Select); coding-DNA position 1690, C replaced by T.
Protein change: p.Pro564Ser; replaces proline 564 with serine.
Molecular consequence: missense variant.
Genome position (GRCh38, 1-based): chr17:42,210,488, G>A on the plus strand (C>T on the coding strand, the complement: STAT5B is on the minus strand). VCF-style: chr17-42210488-G-A. GRCh37 (hg19) VCF-style: chr17-40362506-G-A.
Other names: short protein forms P564S.
Identifiers: ClinVar variation 2973961 (VCV002973961.4), dbSNP rs561888537, ClinGen allele CA8573973.